The following is an entry in ClinVar:

ClinVar aggregate classification (germline): Uncertain significance. Review status: criteria provided, multiple submitters, no conflicts (2 of 4 stars). 2 submissions from 2 submitters: Uncertain significance (2). Last evaluated 2025-11-27.

Allele frequency attached by ClinVar (database versions not stated): ExAC 0.00002; gnomAD exomes 0.00002 and 0.00003; 1000 Genomes Project 30x 0.00016; gnomAD 0.00016 and 0.00018; 1000 Genomes Project 0.00020; TOPMed 0.00045.
gnomAD v4.1: 45 of 1,529,528 alleles (0.0029%); highest among the groups gnomAD compares: Admixed American, 0.063%; no homozygotes.

Submissions (2):

Labcorp Genetics (formerly Invitae), Labcorp
Classification: Uncertain significance. Last evaluated: 2025-11-27. Review status: criteria provided, single submitter. Criteria: Invitae Variant Classification Sherloc (09022015). Collection method: clinical testing. Allele origin: germline.
Comment: This sequence change replaces proline, which is neutral and non-polar, with serine, which is neutral and polar, at codon 798 of the MKL1 protein (p.Pro798Ser). This variant is present in population databases (rs573371931, gnomAD 0.008%). This variant has not been reported in the literature in individuals affected with MKL1-related conditions. ClinVar contains an entry for this variant (Variation ID: 1682929). An algorithm developed to predict the effect of missense changes on protein structure and function outputs the following: PolyPhen-2: "Benign". The serine amino acid residue is found in multiple mammalian species, which suggests that this missense change does not adversely affect protein function. In summary, the available evidence is currently insufficient to determine the role of this variant in disease. Therefore, it has been classified as a Variant of Uncertain Significance.

Ambry Genetics
Classification: Uncertain significance. Last evaluated: 2024-07-09. Review status: criteria provided, single submitter. Criteria: Ambry Variant Classification Scheme 2023. Collection method: clinical testing. Allele origin: germline.

NM_020831.6(MRTFA):c.2692C>T (p.Pro898Ser)

Gene: MRTFA (myocardin related transcription factor A; minus strand). Cytogenetic location: 22q13.1.
Variant type: single nucleotide variant.
Coding change: c.2692C>T on transcript NM_020831.6 (MANE Select); coding-DNA position 2692, C replaced by T.
Protein change: p.Pro898Ser; replaces proline 898 with serine.
Molecular consequence: missense variant. On other transcripts: 3 prime UTR variant (1).
Genome position (GRCh38, 1-based): chr22:40,411,794, G>A on the plus strand (C>T on the coding strand, the complement: MRTFA is on the minus strand). VCF-style: chr22-40411794-G-A. GRCh37 (hg19) VCF-style: chr22-40807798-G-A.
Other names: c.2392C>T, p.Pro798Ser (NM_001282660.2); c.2542C>T, p.Pro848Ser (NM_001282661.3); c.*5C>T (NM_001282662.3); c.2497C>T, p.Pro833Ser (NM_001318139.2); c.2392C>T (NM_020831.3); short protein forms P798S, P833S, P848S, P898S.
Identifiers: ClinVar variation 1682929 (VCV001682929.8), dbSNP rs573371931, ClinGen allele CA10249234.
Genomic context (GRCh38, chr22:40,411,794, plus strand): 5'-GGAAGTCCTCCAGGCGTCCAGGGAGGGAGGGTGAGCCTGGAGGAGGTGGGGCAGCCTGGG[G>A]GAGCTCAGCAGAAGGTGATGGCTGTGCTGCCAGGGGGGACCCACAGACTGTCTTCGGGGA-3'
Protein context (NP_065882.2, residues 888-908): AAQPSPSAEL[Pro898Ser]QAAPPPPGSP